The following is an entry in ClinVar:

NM_002972.4(SBF1):c.1982G>A (p.Gly661Glu)

Gene: SBF1 (SET binding factor 1; minus strand). Cytogenetic location: 22q13.33.
Variant type: single nucleotide variant.
Coding change: c.1982G>A on transcript NM_002972.4 (MANE Select); coding-DNA position 1982, G replaced by A.
Protein change: p.Gly661Glu; replaces glycine 661 with glutamic acid.
Molecular consequence: missense variant.
Genome position (GRCh38, 1-based): chr22:50,462,704, C>T on the plus strand (G>A on the coding strand, the complement: SBF1 is on the minus strand). VCF-style: chr22-50462704-C-T. GRCh37 (hg19) VCF-style: chr22-50901133-C-T.
Other names: c.1985G>A, p.Gly662Glu (NM_001365819.1); short protein forms G661E, G662E.
Identifiers: ClinVar variation 1314458 (VCV001314458.2), dbSNP rs1424367843, ClinGen allele CA412213109.

ClinVar aggregate classification (germline): Uncertain significance (1 of 4 stars; one submission).

Submission:

GeneDx
Classification: Uncertain significance. Last evaluated: 2021-04-05. Review status: criteria provided, single submitter. Criteria: GeneDx Variant Classification Process June 2021. Collection method: clinical testing. Allele origin: germline. Affected: yes.
Comment: In silico analysis supports that this missense variant has a deleterious effect on protein structure/function; Has not been previously published as pathogenic or benign to our knowledge